The following is an entry in ClinVar:

NM_021120.4(DLG3):c.1781C>T (p.Pro594Leu)

Gene: DLG3 (discs large MAGUK scaffold protein 3; plus strand). Cytogenetic location: Xq13.1.
Variant type: single nucleotide variant.
Coding change: c.1781C>T on transcript NM_021120.4 (MANE Select); coding-DNA position 1781, C replaced by T.
Protein change: p.Pro594Leu; replaces proline 594 with leucine.
Molecular consequence: missense variant. On other transcripts: intron variant (2).
Genome position (GRCh38, 1-based): chrX:70,495,415, C>T. VCF-style: chrX-70495415-C-T. GRCh37 (hg19) VCF-style: chrX-69715265-C-T.
Other names: c.863-1765C>T (NM_020730.3); c.425-1765C>T (NM_001166278.2); short protein forms P594L.
Identifiers: ClinVar variation 588179 (VCV000588179.12), dbSNP rs144335681, ClinGen allele CA10442259.

ClinVar aggregate classification (germline): Benign. Review status: criteria provided, multiple submitters, no conflicts (2 of 4 stars). 3 submissions from 3 submitters: Benign (2). 1 of the submissions does not count toward it. Last evaluated 2026-01-25.

Conditions:
Inborn genetic diseases. Identifiers: MedGen C0950123, MeSH D030342.
DLG3-related disorder. Also called: DLG3-related condition.

Allele frequency attached by ClinVar (database versions not stated): 1000 Genomes Project 0.00026; 1000 Genomes Project 30x 0.00042; ESP Exome Variant Server 0.00142; gnomAD 0.00149 and 0.00159; TOPMed 0.00175.
gnomAD v4.1: 425 of 1,208,244 alleles (0.035%); highest among the groups gnomAD compares: African/African-American, 0.5%; 1 homozygote.

Submissions (3):

Labcorp Genetics (formerly Invitae), Labcorp
Classification: Benign. Last evaluated: 2026-01-25. Review status: criteria provided, single submitter. Criteria: Invitae Variant Classification Sherloc (09022015). Collection method: clinical testing. Allele origin: germline.

Ambry Genetics
Classification: Benign for Inborn genetic diseases. Last evaluated: 2016-08-29. Review status: criteria provided, single submitter. Criteria: Ambry Variant Classification Scheme 2023. Collection method: clinical testing. Allele origin: germline.

PreventionGenetics, part of Exact Sciences
Classification: Benign for DLG3-related condition. Last evaluated: 2019-05-10. Review status: no assertion criteria provided. Collection method: clinical testing. Allele origin: germline. Not counted in ClinVar's aggregate classification.
Comment: This variant is classified as benign based on ACMG/AMP sequence variant interpretation guidelines (Richards et al. 2015 PMID: 25741868, with internal and published modifications).